The following is an entry in ClinVar:

ClinVar aggregate classification (germline): Likely pathogenic (1 of 4 stars; one submission).

Conditions:
Hypertrophic cardiomyopathy 4. Also called: Familial hypertrophic cardiomyopathy 4. Identifiers: MedGen C1861862, MONDO:0007268, OMIM 115197.

Submission:

3billion
Classification: Likely pathogenic for Hypertrophic cardiomyopathy 4. Last evaluated: 2024-07-06. Review status: criteria provided, single submitter. Criteria: ACMG Guidelines, 2015. Collection method: clinical testing. Allele origin: germline. Affected: yes.
Comment: The variant is not observed in the gnomAD v4.0.0 dataset. Predicted Consequence/Location: Frameshift: predicted to result in a loss or disruption of normal protein function through nonsense-mediated decay (NMD) or protein truncation. Multiple pathogenic variants are reported downstream of the variant. Therefore, this variant is classified as Likely pathogenic according to the recommendation of ACMG/AMP guideline.

NM_000256.3(MYBPC3):c.1269del (p.Ser424fs)

Gene: MYBPC3 (myosin binding protein C3; minus strand). Cytogenetic location: 11p11.2.
Variant type: Deletion.
Coding change: c.1269del on transcript NM_000256.3 (MANE Select); coding-DNA position 1269, one base deleted (C; older notation c.1269delC).
Protein change: p.Ser424fs; shifts the reading frame from serine 424.
Molecular consequence: frameshift variant.
Genome position (GRCh38, 1-based): chr11:47,343,103, G deleted on the plus strand (C on the coding strand, the reverse complement: MYBPC3 is on the minus strand). VCF-style (leftmost placement, unchanged base first): chr11-47343102-TG-T. GRCh37 (hg19) VCF-style: chr11-47364653-TG-T.
Other names: short protein forms S424fs.
Identifiers: ClinVar variation 4291934 (VCV004291934.1).